The following is an entry in ClinVar:

NM_001164508.2(NEB):c.3209C>T (p.Ala1070Val)

Gene: NEB (nebulin; minus strand). Cytogenetic location: 2q23.3.
Variant type: single nucleotide variant.
Coding change: c.3209C>T on transcript NM_001164508.2 (MANE Select); coding-DNA position 3209, C replaced by T.
Protein change: p.Ala1070Val; replaces alanine 1070 with valine.
Molecular consequence: missense variant.
Genome position (GRCh38, 1-based): chr2:151,679,767, G>A on the plus strand (C>T on the coding strand, the complement: NEB is on the minus strand). VCF-style: chr2-151679767-G-A. GRCh37 (hg19) VCF-style: chr2-152536281-G-A.
Other names: c.3209C>T, p.Ala1070Val (NM_001164507.2, NM_001271208.2, NM_004543.5); short protein forms A1070V.
Identifiers: ClinVar variation 893327 (VCV000893327.15), dbSNP rs371710158, ClinGen allele CA57659291.

ClinVar aggregate classification (germline): Uncertain significance. Review status: criteria provided, multiple submitters, no conflicts (2 of 4 stars). 4 submissions from 4 submitters: Uncertain significance (3). 1 of the submissions does not count toward it. Last evaluated 2023-02-01.

Conditions:
Inborn genetic diseases. Identifiers: MedGen C0950123, MeSH D030342.
Nemaline myopathy 2 (NEM2). Also called: Nemaline myopathy 2, autosomal recessive. Identifiers: MedGen C1850569, MONDO:0009725, OMIM 256030.

Allele frequency attached by ClinVar (database versions not stated): TOPMed 0.00002.
gnomAD v4.1: 12 of 1,608,632 alleles (0.00075%); highest among the groups gnomAD compares: African/African-American, 0.0013%; no homozygotes.

Submissions (4):

Ambry Genetics
Classification: Uncertain significance for Inborn genetic diseases. Last evaluated: 2023-02-01. Review status: criteria provided, single submitter. Criteria: Ambry Variant Classification Scheme 2023. Collection method: clinical testing. Allele origin: germline.

Labcorp Genetics (formerly Invitae), Labcorp
Classification: Uncertain significance for Nemaline myopathy 2. Last evaluated: 2022-09-01. Review status: criteria provided, single submitter. Criteria: Invitae Variant Classification Sherloc (09022015). Collection method: clinical testing. Allele origin: germline.
Comment: This sequence change replaces alanine, which is neutral and non-polar, with valine, which is neutral and non-polar, at codon 1070 of the NEB protein (p.Ala1070Val). This variant is not present in population databases (gnomAD no frequency). This variant has not been reported in the literature in individuals affected with NEB-related conditions. ClinVar contains an entry for this variant (Variation ID: 893327). Algorithms developed to predict the effect of missense changes on protein structure and function are either unavailable or do not agree on the potential impact of this missense change (SIFT: "Deleterious"; PolyPhen-2: "Not Available"; Align-GVGD: "Class C0"). In summary, the available evidence is currently insufficient to determine the role of this variant in disease. Therefore, it has been classified as a Variant of Uncertain Significance.

Illumina Laboratory Services, Illumina
Classification: Uncertain significance for Nemaline myopathy 2. Last evaluated: 2018-01-13. Review status: criteria provided, single submitter. Criteria: ICSL Variant Classification Criteria 13 December 2019. Collection method: clinical testing. Allele origin: germline.

Natera, Inc.
Classification: Uncertain significance for Nemaline myopathy type 2. Last evaluated: 2021-07-02. Review status: no assertion criteria provided. Collection method: clinical testing. Allele origin: germline. Not counted in ClinVar's aggregate classification.